The following is an entry in ClinVar:

NM_013266.4(CTNNA3):c.2630A>C (p.Lys877Thr)

Gene: CTNNA3 (catenin alpha 3; minus strand). Cytogenetic location: 10q21.3.
Variant type: single nucleotide variant.
Coding change: c.2630A>C on transcript NM_013266.4 (MANE Select); coding-DNA position 2630, A replaced by C.
Protein change: p.Lys877Thr; replaces lysine 877 with threonine.
Molecular consequence: missense variant.
Genome position (GRCh38, 1-based): chr10:65,920,388, T>G on the plus strand (A>C on the coding strand, the complement: CTNNA3 is on the minus strand). VCF-style: chr10-65920388-T-G. GRCh37 (hg19) VCF-style: chr10-67680146-T-G.
Other names: c.2630A>C, p.Lys877Thr (NM_001127384.3); c.2630A>C (NM_013266.2); short protein forms K877T.
Identifiers: ClinVar variation 541660 (VCV000541660.2), dbSNP rs781167292, ClinGen allele CA5519533.

ClinVar aggregate classification (germline): Uncertain significance. Review status: criteria provided, multiple submitters, no conflicts (2 of 4 stars). 2 submissions from 2 submitters: Uncertain significance (2). Last evaluated 2024-09-18.

Conditions:
Arrhythmogenic right ventricular dysplasia 13. Also called: ARRHYTHMOGENIC RIGHT VENTRICULAR CARDIOMYOPATHY 13; Arrhythmogenic right ventricular dysplasia, familial, 13. Identifiers: MedGen C3810138, MONDO:0000908, OMIM 615616.

Allele frequency attached by ClinVar (database versions not stated): ExAC 0.00001; gnomAD 0.00001; gnomAD exomes 0.00001; TOPMed 0.00001.
gnomAD v4.1: 6 of 1,614,034 alleles (0.00037%); highest among the groups gnomAD compares: Admixed American, 0.0067%; no homozygotes.

Submissions (2):

Ambry Genetics
Classification: Uncertain significance. Last evaluated: 2024-09-18. Review status: criteria provided, single submitter. Criteria: Ambry Variant Classification Scheme 2023. Collection method: clinical testing. Allele origin: germline.

Labcorp Genetics (formerly Invitae), Labcorp
Classification: Uncertain significance for Arrhythmogenic right ventricular dysplasia 13. Last evaluated: 2017-09-22. Review status: criteria provided, single submitter. Criteria: Invitae Variant Classification Sherloc (09022015). Collection method: clinical testing. Allele origin: germline.
Comment: This sequence change replaces lysine with threonine at codon 877 of the CTNNA3 protein (p.Lys877Thr). The lysine residue is moderately conserved and there is a moderate physicochemical difference between lysine and threonine. The frequency data for this variant in the population databases is considered unreliable, as metrics indicate poor data quality at this position in the ExAC database. This variant has not been reported in the literature in individuals with CTNNA3-related disease. Algorithms developed to predict the effect of missense changes on protein structure and function do not agree on the potential impact of this missense change (SIFT: "Deleterious"; PolyPhen-2: "Benign"; Align-GVGD: "Class C0"). In summary, the available evidence is currently insufficient to determine the role of this variant in disease. Therefore, it has been classified as a Variant of Uncertain Significance.